The following is an entry in ClinVar:

ClinVar aggregate classification (germline): Uncertain significance (1 of 4 stars; one submission).

Conditions:
Fanconi anemia (FA). Also called: Fanconi's anemia. Identifiers: Orphanet 84, MedGen C0015625, MeSH D005199, MONDO:0019391.

Allele frequency attached by ClinVar (database versions not stated): ExAC 0.00001; gnomAD exomes 0.00001; TOPMed 0.00001.
gnomAD v4.1: 9 of 1,614,204 alleles (0.00056%); highest among the groups gnomAD compares: Non-Finnish European, 0.00076%; no homozygotes.

Submission:

Labcorp Genetics (formerly Invitae), Labcorp
Classification: Uncertain significance for Fanconi anemia. Last evaluated: 2022-01-10. Review status: criteria provided, single submitter. Criteria: Invitae Variant Classification Sherloc (09022015). Collection method: clinical testing. Allele origin: germline.
Comment: This sequence change replaces leucine, which is neutral and non-polar, with arginine, which is basic and polar, at codon 585 of the FANCI protein (p.Leu585Arg). This variant is present in population databases (rs762673805, gnomAD 0.002%). This variant has not been reported in the literature in individuals affected with FANCI-related conditions. Algorithms developed to predict the effect of missense changes on protein structure and function are either unavailable or do not agree on the potential impact of this missense change (SIFT: "Deleterious"; PolyPhen-2: "Probably Damaging"; Align-GVGD: "Class C0"). Algorithms developed to predict the effect of sequence changes on RNA splicing suggest that this variant may create or strengthen a splice site. In summary, the available evidence is currently insufficient to determine the role of this variant in disease. Therefore, it has been classified as a Variant of Uncertain Significance.

NM_001113378.2(FANCI):c.1754T>G (p.Leu585Arg)

Gene: FANCI (FA complementation group I; plus strand). Cytogenetic location: 15q26.1.
Variant type: single nucleotide variant.
Coding change: c.1754T>G on transcript NM_001113378.2 (MANE Select); coding-DNA position 1754, T replaced by G.
Protein change: p.Leu585Arg; replaces leucine 585 with arginine.
Molecular consequence: missense variant.
Genome position (GRCh38, 1-based): chr15:89,285,151, T>G. VCF-style: chr15-89285151-T-G. GRCh37 (hg19) VCF-style: chr15-89828382-T-G.
Other names: c.1475T>G, p.Leu492Arg (NM_001376910.1); c.1754T>G, p.Leu585Arg (NM_001376911.1, NM_018193.3); short protein forms L492R, L585R.
Identifiers: ClinVar variation 2181363 (VCV002181363.1), dbSNP rs762673805, ClinGen allele CA7723146.